The following is an entry in ClinVar:

ClinVar aggregate classification (germline): Likely pathogenic. Review status: criteria provided, single submitter (1 of 4 stars). 2 submissions from 2 submitters: Likely pathogenic (1). 1 of the submissions does not count toward it.

Conditions:
Developmental and epileptic encephalopathy, 76. Also called: EPILEPTIC ENCEPHALOPATHY, EARLY INFANTILE, 76; DEVELOPMENTAL DELAY, EPILEPTIC ENCEPHALOPATHY, CEREBRAL ATROPHY, AND ABNORMAL MYELINATION. Identifiers: MedGen C5193113, MONDO:0032768, OMIM 618468.

Submissions (2):

Neuberg Centre For Genomic Medicine, NCGM
Classification: Likely pathogenic for Developmental and epileptic encephalopathy, 76. Review status: criteria provided, single submitter. Criteria: ACMG Guidelines, 2015. Collection method: clinical testing. Allele origin: germline. Inheritance: Autosomal recessive inheritance. Affected: yes.
Comment: The frameshift variant c.695dup (p.Asn233LysfsTer17) in ACTL6B gene has not been reported previously as a pathogenic variant nor as a benign variant, to our knowledge. The p.Asn233LysfsTer17 variant is novel (not in any individuals) in 1000 Genomes and allele frequency of 0.008648% is reported in gnomAD. This variant causes a frameshift starting with codon Asparagine 233, changes this amino acid to Lysine residue, and creates a premature Stop codon at position 17 of the new reading frame, denoted p.Asn233LysfsTer17. For these reasons, this variant has been classified as Likely Pathogenic .

Houlden Lab, UCL Institute of Neurology
Classification: Pathogenic for Developmental and epileptic encephalopathy, 76. Review status: no assertion criteria provided. Collection method: research. Allele origin: germline. Affected: yes. Observed: 1 variant allele. Not counted in ClinVar's aggregate classification.

NM_016188.5(ACTL6B):c.695dup (p.Asn233fs)

Gene: ACTL6B (actin like 6B; minus strand). Cytogenetic location: 7q22.1.
Variant type: Duplication.
Coding change: c.695dup on transcript NM_016188.5 (MANE Select); coding-DNA position 695, one base duplicated (C; older notation c.695dupC).
Protein change: p.Asn233fs; shifts the reading frame from asparagine 233.
Molecular consequence: frameshift variant. On other transcripts: non-coding transcript variant (1).
Genome position (GRCh38, 1-based): chr7:100,647,508, G duplicated on the plus strand (C on the coding strand, the reverse complement: ACTL6B is on the minus strand); the first of 7 consecutive G bases (chr7:100,647,508-100,647,514); duplicating any one gives the same sequence. VCF-style (leftmost placement, unchanged base first): chr7-100647507-T-TG. GRCh37 (hg19) VCF-style: chr7-100245130-T-TG.
Other names: short protein forms N233fs.
Identifiers: ClinVar variation 2500142 (VCV002500142.1), dbSNP rs779550102, ClinGen allele CA4387177.